The following is an entry in ClinVar:

ClinVar aggregate classification (germline): Uncertain significance (1 of 4 stars; one submission).

Submission:

Ambry Genetics
Classification: Uncertain significance. Last evaluated: 2025-04-09. Review status: criteria provided, single submitter. Criteria: Ambry Variant Classification Scheme 2023. Collection method: clinical testing. Allele origin: germline.
Comment: The p.S176R variant (also known as c.526A>C), located in coding exon 1 of the MC1R gene, results from an A to C substitution at nucleotide position 526. The serine at codon 176 is replaced by arginine, an amino acid with dissimilar properties. This amino acid position is conserved. In addition, the in silico prediction for this alteration is inconclusive. Based on the available evidence, the clinical significance of this variant remains unclear.

NM_002386.4(MC1R):c.526A>C (p.Ser176Arg)

Gene: MC1R (melanocortin 1 receptor; plus strand). Cytogenetic location: 16q24.3.
Variant type: single nucleotide variant.
Coding change: c.526A>C on transcript NM_002386.4 (MANE Select); coding-DNA position 526, A replaced by C.
Protein change: p.Ser176Arg; replaces serine 176 with arginine.
Molecular consequence: missense variant.
Genome position (GRCh38, 1-based): chr16:89,919,784, A>C. VCF-style: chr16-89919784-A-C. GRCh37 (hg19) VCF-style: chr16-89986192-A-C.
Other names: short protein forms S176R.
Identifiers: ClinVar variation 4052413 (VCV004052413.1).